The following is an entry in ClinVar:

NM_003322.6(TULP1):c.263A>G (p.Tyr88Cys)

Gene: TULP1 (TUB like protein 1; minus strand). Cytogenetic location: 6p21.31.
Variant type: single nucleotide variant.
Coding change: c.263A>G on transcript NM_003322.6 (MANE Select); coding-DNA position 263, A replaced by G.
Protein change: p.Tyr88Cys; replaces tyrosine 88 with cysteine.
Molecular consequence: missense variant. On other transcripts: intron variant (1).
Genome position (GRCh38, 1-based): chr6:35,511,734, T>C on the plus strand (A>G on the coding strand, the complement: TULP1 is on the minus strand). VCF-style: chr6-35511734-T-C. GRCh37 (hg19) VCF-style: chr6-35479511-T-C.
Other names: c.190+446A>G (NM_001289395.2); c.263A>G (NM_003322.3); short protein forms Y88C.
Identifiers: ClinVar variation 838266 (VCV000838266.7), dbSNP rs762751444, ClinGen allele CA3772974.

ClinVar aggregate classification (germline): Uncertain significance. Review status: criteria provided, multiple submitters, no conflicts (2 of 4 stars). 5 submissions from 5 submitters: Uncertain significance (4). 1 of the submissions does not count toward it. Last evaluated 2024-01-29.

Conditions:
Inborn genetic diseases. Identifiers: MedGen C0950123, MeSH D030342.
Retinal dystrophy. Also called: Inherited retinal dystrophy. Identifiers: Orphanet 71862, MedGen C0854723, MeSH D058499, MONDO:0019118, HP:0000556.

Allele frequency attached by ClinVar (database versions not stated): gnomAD 0.00003; gnomAD exomes 0.00004 and 0.00008; TOPMed 0.00006; ExAC 0.00012.
gnomAD v4.1: 60 of 1,590,094 alleles (0.0038%); highest among the groups gnomAD compares: Middle Eastern, 0.083%; no homozygotes.

Submissions (5):

Blueprint Genetics
Classification: Uncertain significance. Last evaluated: 2024-01-29. Review status: criteria provided, single submitter. Criteria: ACMG Guidelines, 2015. Collection method: clinical testing. Allele origin: germline.

Labcorp Genetics (formerly Invitae), Labcorp
Classification: Uncertain significance. Last evaluated: 2022-09-27. Review status: criteria provided, single submitter. Criteria: Invitae Variant Classification Sherloc (09022015). Collection method: clinical testing. Allele origin: germline.
Comment: This sequence change replaces tyrosine, which is neutral and polar, with cysteine, which is neutral and slightly polar, at codon 88 of the TULP1 protein (p.Tyr88Cys). This variant is present in population databases (rs762751444, gnomAD 0.02%). This variant has not been reported in the literature in individuals affected with TULP1-related conditions. ClinVar contains an entry for this variant (Variation ID: 838266). Advanced modeling of protein sequence and biophysical properties (such as structural, functional, and spatial information, amino acid conservation, physicochemical variation, residue mobility, and thermodynamic stability) has been performed at Invitae for this missense variant, however the output from this modeling did not meet the statistical confidence thresholds required to predict the impact of this variant on TULP1 protein function. In summary, the available evidence is currently insufficient to determine the role of this variant in disease. Therefore, it has been classified as a Variant of Uncertain Significance.

Ambry Genetics
Classification: Uncertain significance for Inborn genetic diseases. Last evaluated: 2021-10-26. Review status: criteria provided, single submitter. Criteria: Ambry Variant Classification Scheme 2023. Collection method: clinical testing. Allele origin: germline.

Breakthrough Genomics
Classification: Uncertain significance. Review status: criteria provided, single submitter. Criteria: ACMG Guidelines, 2015. Collection method: not provided. Allele origin: germline. Inheritance: Autosomal recessive inheritance. Affected: yes.

Institute of Human Genetics, Univ. Regensburg, Univ. Regensburg
Classification: Uncertain significance for Retinal dystrophy. Last evaluated: 2019-01-01. Review status: no assertion criteria provided. Criteria: ACMG Guidelines, 2015. Collection method: clinical testing. Allele origin: germline. Affected: yes. Not counted in ClinVar's aggregate classification.